The following is an entry in ClinVar:

NM_000088.4(COL1A1):c.3207+4A>T

Gene: COL1A1 (collagen type I alpha 1 chain; minus strand). Cytogenetic location: 17q21.33.
Variant type: single nucleotide variant.
Coding change: c.3207+4A>T on transcript NM_000088.4 (MANE Select); 4 bases into the intron after coding-DNA position 3207, A replaced by T.
Molecular consequence: intron variant.
Genome position (GRCh38, 1-based): chr17:50,188,526, T>A on the plus strand (A>T on the coding strand, the complement: COL1A1 is on the minus strand). VCF-style: chr17-50188526-T-A. GRCh37 (hg19) VCF-style: chr17-48265887-T-A.
Identifiers: ClinVar variation 1373359 (VCV001373359.8), dbSNP rs2144545163, ClinGen allele CA2573154197.

ClinVar aggregate classification (germline): Uncertain significance (1 of 4 stars; one submission).

Conditions:
Osteogenesis imperfecta type I (OI1). Also called: Lobstein's Disease; OI, TYPE I; OSTEOGENESIS IMPERFECTA TARDA; OSTEOGENESIS IMPERFECTA WITH BLUE SCLERAE; Osteogenesis imperfecta type 1; Lobstein disease. Identifiers: Orphanet 216796, Orphanet 666, MedGen C0023931, MONDO:0008146, OMIM 166200. Disease mechanism: loss of function.

Submission:

Labcorp Genetics (formerly Invitae), Labcorp
Classification: Uncertain significance for Osteogenesis imperfecta type I. Last evaluated: 2021-02-17. Review status: criteria provided, single submitter. Criteria: Invitae Variant Classification Sherloc (09022015). Collection method: clinical testing. Allele origin: germline.
Comment: Nucleotide substitutions within the consensus splice site are a relatively common cause of aberrant splicing (PMID: 17576681, 9536098). Algorithms developed to predict the effect of sequence changes on RNA splicing suggest that this variant may disrupt the consensus splice site, but this prediction has not been confirmed by published transcriptional studies. This variant is not present in population databases (ExAC no frequency). This variant has not been reported in the literature in individuals with COL1A1-related conditions. In summary, the available evidence is currently insufficient to determine the role of this variant in disease. Therefore, it has been classified as a Variant of Uncertain Significance. This sequence change falls in intron 43 of the COL1A1 gene. It does not directly change the encoded amino acid sequence of the COL1A1 protein. It affects a nucleotide within the consensus splice site of the intron.

Literature cited by the submitters: PubMed 17576681; PubMed 9536098.